The following is an entry in ClinVar:

NM_001351132.2(PEX5):c.1279C>T (p.Arg427Ter)

Gene: PEX5 (peroxisomal biogenesis factor 5; plus strand). Cytogenetic location: 12p13.31.
Variant type: single nucleotide variant.
Coding change: c.1279C>T on transcript NM_001351132.2 (MANE Select); coding-DNA position 1279, C replaced by T.
Protein change: p.Arg427Ter; replaces arginine 427 with a stop codon.
Molecular consequence: nonsense.
Genome position (GRCh38, 1-based): chr12:7,208,554, C>T. VCF-style: chr12-7208554-C-T. GRCh37 (hg19) VCF-style: chr12-7361150-C-T.
Other names: c.1255C>T, p.Arg419Ter (NM_000319.5); c.1324C>T, p.Arg442Ter (NM_001131023.2); c.1168C>T, p.Arg390Ter (NM_001131024.2, NM_001351124.3, NM_001351126.2 and 7 more transcripts); c.1279C>T, p.Arg427Ter (NM_001131025.2, NM_001131026.2, NM_001300789.3 and 4 more transcripts); c.1144C>T, p.Arg382Ter (NM_001374649.2, NM_001351139.2, NM_001351140.2); c.1213C>T, p.Arg405Ter (NM_001351135.3, NM_001351138.2); c.1270C>T, p.Arg424Ter (NM_001351136.2); short protein forms R390*, R419*, R427*, R442*, R382*, R405*, R424*.
Identifiers: ClinVar variation 9144 (VCV000009144.11), dbSNP rs61752137, ClinGen allele CA120141.

ClinVar aggregate classification (germline): Pathogenic. Review status: criteria provided, multiple submitters, no conflicts (2 of 4 stars). 4 submissions from 4 submitters: Pathogenic (3). 1 of the submissions does not count toward it. Last evaluated 2024-04-30.

Conditions:
Rhizomelic chondrodysplasia punctata type 5 (RCDP5). Identifiers: Orphanet 468717, MedGen C4225237, MONDO:0014743, OMIM 616716.
Peroxisome biogenesis disorder 2A (Zellweger) (PBD2A). Also called: Cerebrohepatorenal syndrome, variant types. Identifiers: Orphanet 912, MedGen C3550273, MONDO:0008954, OMIM 214110.
Peroxisome biogenesis disorder 2B (PBD2B). Identifiers: Orphanet 44, MedGen C3550234, MONDO:0008736, OMIM 202370.

Allele frequency attached by ClinVar (database versions not stated): gnomAD 0.00002 and 0.00003; TOPMed 0.00002; ExAC 0.00002; gnomAD exomes 0.00002.
gnomAD v4.1: 22 of 1,613,940 alleles (0.0014%); highest among the groups gnomAD compares: African/African-American, 0.004%; no homozygotes.

Submissions (4):

Fulgent Genetics
Classification: Pathogenic for Peroxisome biogenesis disorder 2B; Peroxisome biogenesis disorder 2A (Zellweger); Rhizomelic chondrodysplasia punctata type 5. Last evaluated: 2024-04-30. Review status: criteria provided, single submitter. Criteria: ACMG Guidelines, 2015. Collection method: clinical testing. Allele origin: germline.

Labcorp Genetics (formerly Invitae), Labcorp
Classification: Pathogenic for Peroxisome biogenesis disorder 2B. Last evaluated: 2024-01-28. Review status: criteria provided, single submitter. Criteria: Invitae Variant Classification Sherloc (09022015). Collection method: clinical testing. Allele origin: germline.
Comment: This sequence change creates a premature translational stop signal (p.Arg427*) in the PEX5 gene. It is expected to result in an absent or disrupted protein product. Loss-of-function variants in PEX5 are known to be pathogenic (PMID: 18712838, 21031596). This variant is present in population databases (rs61752137, gnomAD 0.008%). This premature translational stop signal has been observed in individual(s) with Zellweger syndrome (PMID: 7719337). This variant is also known as Arg390Ter. ClinVar contains an entry for this variant (Variation ID: 9144). For these reasons, this variant has been classified as Pathogenic.

GeneDx
Classification: Pathogenic. Last evaluated: 2015-07-01. Review status: criteria provided, single submitter. Criteria: GeneDx Variant Classification (06012015). Collection method: clinical testing. Allele origin: germline. Affected: yes.
Comment: The R427X variant in the PEX5 gene has been reported previously in association with peroxisomebiogenesis disorder by characterizing cell lines from affected patients at a biochemical and genetic level.Two different functional studies performed on fibroblast cell lines derived from patients with a PEX5-related disorder demonstrated that R427X caused a defect in the import of either peroxisomal targetingsequence type 1 (PTS1) or type 2 (PTS2) into peroxisomes (Ebberink et al., 2009; Dodt et al., 1995). Thisvariant is predicted to cause loss of normal protein function either through protein truncation or nonsense-mediated mRNA decay. The R427X variant was not observed in approximately 6500 individuals of European and African American ancestry in the NHLBI Exome Sequencing Project, indicating it is not a common benign variant in these populations. We interpret R427X as a pathogenic variant.

OMIM
Classification: Pathogenic for PEROXISOME BIOGENESIS DISORDER 2A (ZELLWEGER). Last evaluated: 1995-02-01. Review status: no assertion criteria provided. Collection method: literature only. Allele origin: germline. Not counted in ClinVar's aggregate classification.

Literature cited by the submitters: PubMed 18712838 (cited by Labcorp Genetics (formerly Invitae), Labcorp); PubMed 21031596 (cited by Labcorp Genetics (formerly Invitae), Labcorp); PubMed 7719337 (cited by Labcorp Genetics (formerly Invitae), Labcorp and OMIM).